The following is an entry in ClinVar:

NM_139215.3(TAF15):c.1351_1377del (p.442SGGGYGGDR[1])

Gene: TAF15 (TATA-box binding protein associated factor 15; plus strand). Cytogenetic location: 17q12.
Variant type: Deletion.
Coding change: c.1351_1377del on transcript NM_139215.3 (MANE Select); coding-DNA positions 1351 to 1377, 27 bases deleted (AGTGGGGGTGGCTATGGTGGGGACAGA).
Protein change: p.442SGGGYGGDR[1].
Molecular consequence: inframe deletion.
Genome position (GRCh38, 1-based): chr17:35,844,650-35,844,676, AGTGGGGGTGGCTATGGTGGGGACAGA deleted; deleting any 27 consecutive bases within chr17:35,844,644-35,844,676 gives the same sequence; the c. name uses the placement nearest the transcript's 3' end. VCF-style (leftmost placement, unchanged base first): chr17-35844643-AGACAGAAGTGGGGGTGGCTATGGTGGG-A. GRCh37 (hg19) VCF-style: chr17-34171647-AGACAGAAGTGGGGGTGGCTATGGTGGG-A.
Other names: c.1342_1368del, p.439SGGGYGGDR[1] (NM_003487.4); c.1351_1377del27 (NM_139215.2).
Identifiers: ClinVar variation 1241893 (VCV001241893.4), dbSNP rs745996982, ClinGen allele CA290041300.

ClinVar aggregate classification (germline): Benign. Review status: criteria provided, single submitter (1 of 4 stars). 2 submissions from 2 submitters: Benign (1). 1 of the submissions does not count toward it. Last evaluated 2021-06-17.

Conditions:
TAF15-related disorder. Also called: TAF15-related condition.

Submissions (2):

GeneDx
Classification: Benign. Last evaluated: 2021-06-17. Review status: criteria provided, single submitter. Criteria: GeneDx Variant Classification Process June 2021. Collection method: clinical testing. Allele origin: germline. Affected: yes.

PreventionGenetics, part of Exact Sciences
Classification: Likely benign for TAF15-related condition. Last evaluated: 2022-07-11. Review status: no assertion criteria provided. Collection method: clinical testing. Allele origin: germline. Not counted in ClinVar's aggregate classification.
Comment: This variant is classified as likely benign based on ACMG/AMP sequence variant interpretation guidelines (Richards et al. 2015 PMID: 25741868, with internal and published modifications).